The following is an entry in ClinVar:

ClinVar aggregate classification (germline): Uncertain significance. Review status: criteria provided, multiple submitters, no conflicts (2 of 4 stars). 2 submissions from 2 submitters: Uncertain significance (2). Last evaluated 2026-01-23.

Conditions:
Fanconi anemia (FA). Also called: Fanconi's anemia. Identifiers: Orphanet 84, MedGen C0015625, MeSH D005199, MONDO:0019391.

Allele frequency attached by ClinVar (database versions not stated): gnomAD exomes 0.00001 and 0.00002; ExAC 0.00002; gnomAD 0.00004 and 0.00005; TOPMed 0.00006; ESP Exome Variant Server 0.00008; 1000 Genomes Project 30x 0.00016; 1000 Genomes Project 0.00020.
gnomAD v4.1: 21 of 1,607,304 alleles (0.0013%); highest among the groups gnomAD compares: African/African-American, 0.028%; no homozygotes.

Submissions (3):

Women's Health and Genetics/Laboratory Corporation of America, LabCorp
Classification: Uncertain significance. Last evaluated: 2026-01-23. Review status: criteria provided, single submitter. Criteria: LabCorp Variant Classification Summary - May 2015. Collection method: clinical testing. Allele origin: germline.

Labcorp Genetics (formerly Invitae), Labcorp
Classification: Uncertain significance for Fanconi anemia. Last evaluated: 2024-08-01. Review status: criteria provided, single submitter. Criteria: Invitae Variant Classification Sherloc (09022015). Collection method: clinical testing. Allele origin: germline.
Comment: This sequence change falls in intron 2 of the FANCA gene. It does not directly change the encoded amino acid sequence of the FANCA protein. It affects a nucleotide within the consensus splice site. This variant is present in population databases (rs373907502, gnomAD 0.03%). This variant has not been reported in the literature in individuals affected with FANCA-related conditions. ClinVar contains an entry for this variant (Variation ID: 1380547). Variants that disrupt the consensus splice site are a relatively common cause of aberrant splicing (PMID: 17576681, 9536098). Algorithms developed to predict the effect of sequence changes on RNA splicing suggest that this variant may disrupt the consensus splice site. In summary, the available evidence is currently insufficient to determine the role of this variant in disease. Therefore, it has been classified as a Variant of Uncertain Significance.

Dr. Peter K. Rogan Lab, Western University
No classification provided (evidence only). Condition: Malignant tumor of urinary bladder. Review status: no classification provided. Collection method: in vitro. Allele origin: not applicable. Functional consequence: retained intron. Not counted in ClinVar's aggregate classification.

Literature cited by the submitters: PubMed 17576681 (cited by Labcorp Genetics (formerly Invitae), Labcorp); PubMed 9536098 (cited by Labcorp Genetics (formerly Invitae), Labcorp).

NM_000135.4(FANCA):c.189+5G>A

Gene: FANCA (FA complementation group A; minus strand). Cytogenetic location: 16q24.3.
Variant type: single nucleotide variant.
Coding change: c.189+5G>A on transcript NM_000135.4 (MANE Select); 5 bases into the intron after coding-DNA position 189, G replaced by A.
Molecular consequence: intron variant.
Genome position (GRCh38, 1-based): chr16:89,815,872, C>T on the plus strand (G>A on the coding strand, the complement: FANCA is on the minus strand). VCF-style: chr16-89815872-C-T. GRCh37 (hg19) VCF-style: chr16-89882280-C-T.
Other names: c.189+5G>A (NM_001286167.3, NM_001351830.2, NM_001018112.3).
Identifiers: ClinVar variation 1380547 (VCV001380547.7), dbSNP rs373907502, ClinGen allele CA8253149.
Genomic context (GRCh38, chr16:89,815,872, plus strand): 5'-CGGTGGCTGGACTCAAAAACCCCGAACCTAAATCTGCCCGCAGACGGACACCAGCTTCCT[C>T]TTACCTCAAGCAAAAGGGCATTCAGGTCCTGATGGCTTCGCAGGAGGCGCACAGCTGATT-3'